The following is an entry in ClinVar:

ClinVar aggregate classification (germline): Uncertain significance (1 of 4 stars; one submission).

Allele frequency attached by ClinVar (database versions not stated): gnomAD exomes 0.00001; TOPMed below 0.00001; gnomAD 0.00001.
gnomAD v4.1: 18 of 1,614,042 alleles (0.0011%); highest among the groups gnomAD compares: East Asian, 0.0045%; no homozygotes.

Submission:

Labcorp Genetics (formerly Invitae), Labcorp
Classification: Uncertain significance. Last evaluated: 2024-12-09. Review status: criteria provided, single submitter. Criteria: Invitae Variant Classification Sherloc (09022015). Collection method: clinical testing. Allele origin: germline.
Comment: This sequence change replaces valine, which is neutral and non-polar, with methionine, which is neutral and non-polar, at codon 597 of the LCT protein (p.Val597Met). This variant is present in population databases (no rsID available, gnomAD 0.003%). This variant has not been reported in the literature in individuals affected with LCT-related conditions. ClinVar contains an entry for this variant (Variation ID: 1464481). An algorithm developed to predict the effect of missense changes on protein structure and function (PolyPhen-2) suggests that this variant is likely to be disruptive. In summary, the available evidence is currently insufficient to determine the role of this variant in disease. Therefore, it has been classified as a Variant of Uncertain Significance.

NM_002299.4(LCT):c.1789G>A (p.Val597Met)

Gene: LCT (lactase; minus strand). Cytogenetic location: 2q21.3.
Variant type: single nucleotide variant.
Coding change: c.1789G>A on transcript NM_002299.4 (MANE Select); coding-DNA position 1789, G replaced by A.
Protein change: p.Val597Met; replaces valine 597 with methionine.
Molecular consequence: missense variant.
Genome position (GRCh38, 1-based): chr2:135,812,875, C>T on the plus strand (G>A on the coding strand, the complement: LCT is on the minus strand). VCF-style: chr2-135812875-C-T. GRCh37 (hg19) VCF-style: chr2-136570445-C-T.
Other names: short protein forms V597M.
Identifiers: ClinVar variation 1464481 (VCV001464481.6), dbSNP rs1465020980, ClinGen allele CA348605370.